The following is an entry in ClinVar:

ClinVar aggregate classification (germline): Uncertain significance. Review status: criteria provided, multiple submitters, no conflicts (2 of 4 stars). 2 submissions from 2 submitters: Uncertain significance (2). Last evaluated 2025-11-08.

Conditions:
Inborn genetic diseases. Identifiers: MedGen C0950123, MeSH D030342.

Allele frequency attached by ClinVar (database versions not stated): gnomAD exomes 0.00010; 1000 Genomes Project 30x 0.00016; 1000 Genomes Project 0.00020.
gnomAD v4.1: 131 of 1,419,114 alleles (0.0092%); highest among the groups gnomAD compares: South Asian, 0.1%; 2 homozygotes.

Submissions (2):

Ambry Genetics
Classification: Uncertain significance for Inborn genetic diseases. Last evaluated: 2025-11-08. Review status: criteria provided, single submitter. Criteria: Ambry Variant Classification Scheme 2023. Collection method: clinical testing. Allele origin: germline.

Labcorp Genetics (formerly Invitae), Labcorp
Classification: Uncertain significance. Last evaluated: 2025-02-25. Review status: criteria provided, single submitter. Criteria: Invitae Variant Classification Sherloc (09022015). Collection method: clinical testing. Allele origin: germline.
Comment: This sequence change replaces proline, which is neutral and non-polar, with alanine, which is neutral and non-polar, at codon 480 of the MBTPS1 protein (p.Pro480Ala). This variant is present in population databases (rs370340830, gnomAD 0.1%). This variant has not been reported in the literature in individuals affected with MBTPS1-related conditions. ClinVar contains an entry for this variant (Variation ID: 1990025). An algorithm developed to predict the effect of missense changes on protein structure and function (PolyPhen-2) suggests that this variant is likely to be disruptive. In summary, the available evidence is currently insufficient to determine the role of this variant in disease. Therefore, it has been classified as a Variant of Uncertain Significance.

NM_003791.4(MBTPS1):c.1438C>G (p.Pro480Ala)

Gene: MBTPS1 (membrane bound transcription factor peptidase, site 1; minus strand). Cytogenetic location: 16q23.3.
Variant type: single nucleotide variant.
Coding change: c.1438C>G on transcript NM_003791.4 (MANE Select); coding-DNA position 1438, C replaced by G.
Protein change: p.Pro480Ala; replaces proline 480 with alanine.
Molecular consequence: missense variant.
Genome position (GRCh38, 1-based): chr16:84,081,757, G>C on the plus strand (C>G on the coding strand, the complement: MBTPS1 is on the minus strand). VCF-style: chr16-84081757-G-C. GRCh37 (hg19) VCF-style: chr16-84115362-G-C.
Other names: c.1438C>G (NM_003791.2); short protein forms P480A.
Identifiers: ClinVar variation 1990025 (VCV001990025.5), dbSNP rs370340830, ClinGen allele CA8201327.